The following is an entry in ClinVar:

NM_025219.3(DNAJC5):c.558C>T (p.Ala186=)

Gene: DNAJC5 (DnaJ heat shock protein family (Hsp40) member C5; plus strand). Cytogenetic location: 20q13.33.
Variant type: single nucleotide variant.
Coding change: c.558C>T on transcript NM_025219.3 (MANE Select); coding-DNA position 558, C replaced by T.
Protein change: p.Ala186=; no amino-acid change (alanine 186 retained).
Molecular consequence: synonymous variant.
Genome position (GRCh38, 1-based): chr20:63,931,529, C>T. VCF-style: chr20-63931529-C-T. GRCh37 (hg19) VCF-style: chr20-62562882-C-T.
Identifiers: ClinVar variation 2074685 (VCV002074685.5), dbSNP rs755569080, ClinGen allele CA9969808.

ClinVar aggregate classification (germline): Likely benign. Review status: criteria provided, multiple submitters, no conflicts (2 of 4 stars). 2 submissions from 2 submitters: Likely benign (2). Last evaluated 2026-09-01.

Conditions:
Neuronal ceroid lipofuscinosis. Also called: Neuronal Ceroid Lipofuscinoses. Identifiers: Orphanet 216, Orphanet 79263, MedGen C0027877, MONDO:0016295. Disease mechanism: loss of function.

Allele frequency attached by ClinVar (database versions not stated): TOPMed 0.00001; ExAC 0.00005; gnomAD exomes 0.00002.
gnomAD v4.1: 30 of 1,583,666 alleles (0.0019%); highest among the groups gnomAD compares: Middle Eastern, 0.017%; no homozygotes.

Submissions (2):

CeGaT Center for Human Genetics Tuebingen
Classification: Likely benign. Last evaluated: 2026-09-01. Review status: criteria provided, single submitter. Criteria: CeGaT Center For Human Genetics Tuebingen Variant Classification Criteria Version 2. Collection method: clinical testing. Allele origin: germline. Affected: yes. Observed: 1 variant allele.
Comment: DNAJC5: BP4, BP7

Labcorp Genetics (formerly Invitae), Labcorp
Classification: Likely benign for Neuronal ceroid lipofuscinosis. Last evaluated: 2026-01-13. Review status: criteria provided, single submitter. Criteria: Invitae Variant Classification Sherloc (09022015). Collection method: clinical testing. Allele origin: germline.